The following is an entry in ClinVar:

ClinVar aggregate classification (germline): Pathogenic. Review status: reviewed by expert panel (3 of 4 stars). 2 submissions from 2 submitters: Pathogenic (1). 1 of the submissions does not count toward it. Last evaluated 2016-09-08.

Conditions:
Breast-ovarian cancer, familial, susceptibility to, 1 (BROVCA1). Also called: BRCA1 Hereditary Breast and Ovarian Cancer; OVARIAN CANCER, SUSCEPTIBILITY TO. Identifiers: Orphanet 145, MedGen C2676676, MONDO:0011450, OMIM 604370. Disease mechanism: loss of function.

Submissions (2):

Evidence-based Network for the Interpretation of Germline Mutant Alleles (ENIGMA)
Classification: Pathogenic for Breast-ovarian cancer, familial, susceptibility to, 1. Last evaluated: 2016-09-08. Review status: reviewed by expert panel. Criteria: ENIGMA BRCA1/2 Classification Criteria (2015). Collection method: curation. Allele origin: germline.
Comment: Variant allele predicted to encode a truncated non-functional protein.

Consortium of Investigators of Modifiers of BRCA1/2 (CIMBA), c/o University of Cambridge
Classification: Pathogenic for Breast-ovarian cancer, familial, susceptibility to, 1. Last evaluated: 2015-10-02. Review status: criteria provided, single submitter. Criteria: CIMBA Mutation Classification guidelines May 2016. Collection method: clinical testing. Allele origin: germline. Not counted in ClinVar's aggregate classification.

NM_007294.4(BRCA1):c.4139_4140del (p.Glu1380fs)

Gene: BRCA1 (BRCA1 DNA repair associated; minus strand). Cytogenetic location: 17q21.31.
Variant type: Deletion.
Coding change: c.4139_4140del on transcript NM_007294.4 (MANE Select); coding-DNA positions 4139 to 4140, 2 bases deleted (AA; older notation c.4139_4140delAA).
Protein change: p.Glu1380fs; shifts the reading frame from glutamic acid 1380.
Molecular consequence: frameshift variant. On other transcripts: non-coding transcript variant (1).
Genome position (GRCh38, 1-based): chr17:43,090,989-43,090,990, TT deleted on the plus strand (AA on the coding strand, the reverse complement: BRCA1 is on the minus strand). VCF-style (leftmost placement, unchanged base first): chr17-43090988-CTT-C. GRCh37 (hg19) VCF-style: chr17-41243005-CTT-C.
Other names: c.3926_3927delAA, p.Glu1309Glyfs (NM_001407916.1, NM_001407917.1, NM_001407918.1 and 9 more transcripts); c.4016_4017delAA, p.Glu1339Glyfs (NM_001407919.1, NM_001407937.1, NM_001407938.1 and 19 more transcripts); c.3875_3876delAA, p.Glu1292Glyfs (NM_001407920.1, NM_001407921.1, NM_001407922.1 and 9 more transcripts); c.3872_3873delAA, p.Glu1291Glyfs (NM_001407930.1, NM_001407931.1, NM_001407932.1 and 2 more transcripts); c.4013_4014delAA, p.Glu1338Glyfs (NM_001407940.1, NM_001407941.1, NM_001407649.1 and 11 more transcripts); c.3998_3999delAA, p.Glu1333Glyfs (NM_001407942.1, NM_001407944.1, NM_001407945.1 and 28 more transcripts); c.3995_3996delAA, p.Glu1332Glyfs (NM_001407943.1, NM_001407964.1, NM_001407740.1 and 20 more transcripts); c.3806_3807delAA, p.Glu1269Glyfs (NM_001407946.1, NM_001407947.1, NM_001407948.1 and 6 more transcripts); and 44 more; short protein forms E277fs, E1333fs, E1380fs.
Identifiers: ClinVar variation 254453 (VCV000254453.4), dbSNP rs886038032, ClinGen allele CA10586611.